The following is an entry in ClinVar:

ClinVar aggregate classification (germline): Benign/Likely benign. Review status: criteria provided, multiple submitters, no conflicts (2 of 4 stars). 9 submissions from 9 submitters: Benign (2); Likely benign (4). 3 of the submissions do not count toward it. Last evaluated 2025-12-29.

Conditions:
DNMT1-related disorder. Also called: DNMT1-related condition. Identifiers: MedGen CN381527.
Hereditary sensory neuropathy-deafness-dementia syndrome. Also called: Hereditary Sensory and Autonomic Neuropathy Type 1E (HSAN1E); NEUROPATHY, HEREDITARY SENSORY, WITH HEARING LOSS AND DEMENTIA; Hereditary sensory neuropathy type IE; HSN IE. Identifiers: Orphanet 456318, MedGen C3279885, MONDO:0013584, OMIM 614116.

Allele frequency attached by ClinVar (database versions not stated): gnomAD 0.00024 and 0.00027; gnomAD exomes 0.00024; TOPMed 0.00025; ExAC 0.00027; 1000 Genomes Project 30x 0.00031; ESP Exome Variant Server 0.00038; 1000 Genomes Project 0.00040.
gnomAD v4.1: 518 of 1,613,986 alleles (0.032%); highest among the groups gnomAD compares: Middle Eastern, 0.049%; 1 homozygote.

Submissions (9):

Labcorp Genetics (formerly Invitae), Labcorp
Classification: Likely benign for Hereditary sensory neuropathy-deafness-dementia syndrome. Last evaluated: 2025-12-29. Review status: criteria provided, single submitter. Criteria: Invitae Variant Classification Sherloc (09022015). Collection method: clinical testing. Allele origin: germline.

Mayo Clinic Laboratories, Mayo Clinic
Classification: Likely benign. Last evaluated: 2025-10-08. Review status: criteria provided, single submitter. Criteria: ACMG Guidelines, 2015. Collection method: clinical testing. Allele origin: germline. Observed: 2 variant alleles.
Comment: BS2, BP4, BP7

Blueprint Genetics
Classification: Likely benign. Last evaluated: 2024-11-01. Review status: criteria provided, single submitter. Criteria: ACMG Guidelines, 2015. Collection method: clinical testing. Allele origin: germline.

CeGaT Center for Human Genetics Tuebingen
Classification: Likely benign. Last evaluated: 2024-07-01. Review status: criteria provided, single submitter. Criteria: CeGaT Center For Human Genetics Tuebingen Variant Classification Criteria Version 2. Collection method: clinical testing. Allele origin: germline. Affected: yes. Observed: 3 variant alleles.
Comment: DNMT1: BP4, BP7

Illumina Laboratory Services, Illumina
Classification: Benign for Hereditary sensory neuropathy-deafness-dementia syndrome. Last evaluated: 2018-01-13. Review status: criteria provided, single submitter. Criteria: ICSL Variant Classification Criteria 13 December 2019. Collection method: clinical testing. Allele origin: germline.
Comment: This variant was observed in the ICSL laboratory as part of a predisposition screen in an ostensibly healthy population. It had not been previously curated by ICSL or reported in the Human Gene Mutation Database (HGMD: prior to June 1st, 2018), and was therefore a candidate for classification through an automated scoring system. Utilizing variant allele frequency, disease prevalence and penetrance estimates, and inheritance mode, an automated score was calculated to assess if this variant is too frequent to cause the disease. Based on the score and internal cut-off values, a variant classified as benign is not then subjected to further curation. The score for this variant resulted in a classification of benign for this disease.

GeneDx
Classification: Benign. Last evaluated: 2015-08-27. Review status: criteria provided, single submitter. Criteria: GeneDx Variant Classification (06012015). Collection method: clinical testing. Allele origin: germline. Affected: yes.
Comment: This variant is considered likely benign or benign based on one or more of the following criteria: it is a conservative change, it occurs at a poorly conserved position in the protein, it is predicted to be benign by multiple in silico algorithms, and/or has population frequency not consistent with disease.

PreventionGenetics, part of Exact Sciences
Classification: Likely benign for DNMT1-related condition. Last evaluated: 2024-05-24. Review status: no assertion criteria provided. Collection method: clinical testing. Allele origin: germline. Not counted in ClinVar's aggregate classification.
Comment: This variant is classified as likely benign based on ACMG/AMP sequence variant interpretation guidelines (Richards et al. 2015 PMID: 25741868, with internal and published modifications).

Clinical Genetics DNA and cytogenetics Diagnostics Lab, Erasmus MC, Erasmus Medical Center
Classification: Likely benign. Review status: no assertion criteria provided. Collection method: clinical testing. Allele origin: germline. Affected: yes. Study: VKGL Data-share Consensus. Not counted in ClinVar's aggregate classification.

Clinical Genetics, Academic Medical Center
Classification: Likely benign. Review status: no assertion criteria provided. Collection method: clinical testing. Allele origin: germline. Affected: yes. Study: VKGL Data-share Consensus. Not counted in ClinVar's aggregate classification.

NM_001130823.3(DNMT1):c.393C>T (p.Pro131=)

Gene: DNMT1 (DNA methyltransferase 1; minus strand). Cytogenetic location: 19p13.2.
Variant type: single nucleotide variant.
Coding change: c.393C>T on transcript NM_001130823.3 (MANE Select); coding-DNA position 393, C replaced by T.
Protein change: p.Pro131=; no amino-acid change (proline 131 retained).
Molecular consequence: synonymous variant.
Genome position (GRCh38, 1-based): chr19:10,180,402, G>A on the plus strand (C>T on the coding strand, the complement: DNMT1 is on the minus strand). VCF-style: chr19-10180402-G-A. GRCh37 (hg19) VCF-style: chr19-10291078-G-A.
Other names: p.Pro131=; c.393C>T (LRG_362t1, NM_001130823.2); c.393C>T, p.Pro131= (NM_001318730.2, NM_001379.4); c.30C>T, p.Pro10= (NM_001318731.2).
Identifiers: ClinVar variation 327925 (VCV000327925.61), dbSNP rs143904813, ClinGen allele CA9188768.
Genomic context (GRCh38, chr19:10,180,402, plus strand): 5'-GCTCTTACGCTTAGCCTCTCCATCGGACTTGCTCCTCCTGGGCGTGCGAGGTTTGGAAAG[G>A]GGTTTGGGGGGGCTGTTGGCATCTGCCATTCCCACTCTACGGGCTTCACTTCTTGCTTGG-3'
Protein context (NP_001124295.1, residues 121-141): GMADANSPPK[Pro131=]LSKPRTPRRS